The following is an entry in ClinVar:

ClinVar aggregate classification (germline): Uncertain significance (1 of 4 stars; one submission).

Conditions:
Spastic paraplegia. Identifiers: MedGen C0037772, HP:0001258.

Allele frequency attached by ClinVar (database versions not stated): gnomAD exomes below 0.00001; TOPMed 0.00001.
gnomAD v4.1: 1 of 1,614,046 alleles (0.000062%); no homozygotes.

Submission:

Labcorp Genetics (formerly Invitae), Labcorp
Classification: Uncertain significance for Spastic paraplegia. Last evaluated: 2022-04-09. Review status: criteria provided, single submitter. Criteria: Invitae Variant Classification Sherloc (09022015). Collection method: clinical testing. Allele origin: germline.
Comment: This sequence change replaces tyrosine, which is neutral and polar, with cysteine, which is neutral and slightly polar, at codon 946 of the KIF5A protein (p.Tyr946Cys). This variant is not present in population databases (gnomAD no frequency). This variant has not been reported in the literature in individuals affected with KIF5A-related conditions. Advanced modeling of protein sequence and biophysical properties (such as structural, functional, and spatial information, amino acid conservation, physicochemical variation, residue mobility, and thermodynamic stability) performed at Invitae indicates that this missense variant is not expected to disrupt KIF5A protein function. In summary, the available evidence is currently insufficient to determine the role of this variant in disease. Therefore, it has been classified as a Variant of Uncertain Significance.

NM_004984.4(KIF5A):c.2837A>G (p.Tyr946Cys)

Gene: KIF5A (kinesin family member 5A; plus strand). Cytogenetic location: 12q13.3.
Variant type: single nucleotide variant.
Coding change: c.2837A>G on transcript NM_004984.4 (MANE Select); coding-DNA position 2837, A replaced by G.
Protein change: p.Tyr946Cys; replaces tyrosine 946 with cysteine.
Molecular consequence: missense variant.
Genome position (GRCh38, 1-based): chr12:57,581,496, A>G. VCF-style: chr12-57581496-A-G. GRCh37 (hg19) VCF-style: chr12-57975279-A-G.
Other names: c.2570A>G, p.Tyr857Cys (NM_001354705.2); short protein forms Y946C, Y857C.
Identifiers: ClinVar variation 1964577 (VCV001964577.5), dbSNP rs201359295, ClinGen allele CA237791118.
Genomic context (GRCh38, chr12:57,581,496, plus strand): 5'-ACTACCCAGCATCCTCACCCACCAACCCCTATGGCACCCGGAGCCCTGAGTGCATCAGTT[A>G]CACCAACAGCCTCTTCCAGAACTACCAGAATCTCTACCTGCAGGCCACACCCAGCTCCAC-3'
Protein context (NP_004975.2, residues 936-956): YGTRSPECIS[Tyr946Cys]TNSLFQNYQN